The following is an entry in ClinVar:

NM_198586.3(NHLRC1):c.164T>G (p.Val55Gly)

Gene: NHLRC1 (NHL repeat containing E3 ubiquitin protein ligase 1; minus strand). Cytogenetic location: 6p22.3.
Variant type: single nucleotide variant.
Coding change: c.164T>G on transcript NM_198586.3 (MANE Select); coding-DNA position 164, T replaced by G.
Protein change: p.Val55Gly; replaces valine 55 with glycine.
Molecular consequence: missense variant.
Genome position (GRCh38, 1-based): chr6:18,122,443, A>C on the plus strand (T>G on the coding strand, the complement: NHLRC1 is on the minus strand). VCF-style: chr6-18122443-A-C. GRCh37 (hg19) VCF-style: chr6-18122674-A-C.
Other names: short protein forms V55G.
Identifiers: ClinVar variation 451261 (VCV000451261.2), dbSNP rs1369766718, ClinGen allele CA362829413.

ClinVar aggregate classification (germline): Likely pathogenic (1 of 4 stars; one submission).

Submission:

GeneDx
Classification: Likely pathogenic. Last evaluated: 2017-08-24. Review status: criteria provided, single submitter. Criteria: GeneDx Variant Classification (06012015). Collection method: clinical testing. Allele origin: germline. Affected: yes.
Comment: The V55G variant in the NHLRC1 gene has not been reported previously as a pathogenic variant, nor as a benign variant, to our knowledge. The V55G variant is not observed in large population cohorts (Lek et al., 2016; 1000 Genomes Consortium et al., 2015; Exome Variant Server). The V55G variant is a conservative amino acid substitution, which occurs at a position where amino acids with similar properties to Valine are tolerated across species. In silico analysis is inconsistent in its predictions as to whether or not the variant is damaging to the protein structure/function. We interpret V55G as a likely pathogenic variant.